The following is an entry in ClinVar:

NM_005422.4(TECTA):c.2890T>G (p.Cys964Gly)

Genes: TBCEL-TECTA (TBCEL-TECTA readthrough; plus strand), TECTA (tectorin alpha; plus strand), LOC126861365 (P300/CBP strongly-dependent group 1 enhancer GRCh37_chr11:121000154-121001353; plus strand). Cytogenetic location: 11q23.3.
Variant type: single nucleotide variant.
Coding change: c.2890T>G on transcript NM_005422.4 (MANE Select); coding-DNA position 2890, T replaced by G.
Protein change: p.Cys964Gly; replaces cysteine 964 with glycine.
Molecular consequence: missense variant.
Genome position (GRCh38, 1-based): chr11:121,130,160, T>G. VCF-style: chr11-121130160-T-G. GRCh37 (hg19) VCF-style: chr11-121000869-T-G.
Other names: c.3847T>G, p.Cys1283Gly (NM_001378761.1); short protein forms C1283G, C964G.
Identifiers: ClinVar variation 1303344 (VCV001303344.5), dbSNP rs939019890, ClinGen allele CA229816283.

ClinVar aggregate classification (germline): Uncertain significance. Review status: criteria provided, multiple submitters, no conflicts (2 of 4 stars). 2 submissions from 2 submitters: Uncertain significance (2). Last evaluated 2024-11-26.

Conditions:
TECTA-related disorder. Also called: TECTA-related condition.

Allele frequency attached by ClinVar (database versions not stated): TOPMed 0.00001; gnomAD exomes 0.00004.
gnomAD v4.1: 52 of 1,606,356 alleles (0.0032%); highest among the groups gnomAD compares: Non-Finnish European, 0.0044%; no homozygotes.

Submissions (2):

PreventionGenetics, part of Exact Sciences
Classification: Uncertain significance for TECTA-related condition. Last evaluated: 2024-11-26. Review status: criteria provided, single submitter. Criteria: ACMG Guidelines, 2015. Collection method: clinical testing. Allele origin: germline.
Comment: The TECTA c.2890T>G variant is predicted to result in the amino acid substitution p.Cys964Gly. This variant was reported in homozygous state in an individual with non-syndromic hearing loss (Table S3, Sloan-Heggen et al. 2016. PubMed ID: 26969326). This variant has not been reported in a large population database (gnomAD), indicating this variant is rare. At this time, the clinical significance of this variant is uncertain due to the absence of conclusive functional and genetic evidence.

GeneDx
Classification: Uncertain significance. Last evaluated: 2023-09-21. Review status: criteria provided, single submitter. Criteria: GeneDx Variant Classification Process June 2021. Collection method: clinical testing. Allele origin: germline. Affected: yes.
Comment: Not observed at significant frequency in large population cohorts (gnomAD); In silico analysis supports that this missense variant has a deleterious effect on protein structure/function; This variant is associated with the following publications: (PMID: 21520338, 31554319, 9590290, 26969326)